The following is an entry in ClinVar:

ClinVar aggregate classification (germline): Likely benign (1 of 4 stars; one submission).

Allele frequency attached by ClinVar (database versions not stated): TOPMed below 0.00001; gnomAD 0.00001; gnomAD exomes 0.00001.
gnomAD v4.1: 9 of 1,613,762 alleles (0.00056%); highest among the groups gnomAD compares: Admixed American, 0.0017%; no homozygotes.

Submission:

CeGaT Center for Human Genetics Tuebingen
Classification: Likely benign. Last evaluated: 2022-11-01. Review status: criteria provided, single submitter. Criteria: CeGaT Center For Human Genetics Tuebingen Variant Classification Criteria Version 2. Collection method: clinical testing. Allele origin: germline. Affected: yes. Observed: 1 variant allele.
Comment: GRIA4: BS2

NM_000829.4(GRIA4):c.2531C>T (p.Ala844Val)

Gene: GRIA4 (glutamate ionotropic receptor AMPA type subunit 4; plus strand). Cytogenetic location: 11q22.3.
Variant type: single nucleotide variant.
Coding change: c.2531C>T on transcript NM_000829.4 (MANE Select); coding-DNA position 2531, C replaced by T.
Protein change: p.Ala844Val; replaces alanine 844 with valine.
Molecular consequence: missense variant. On other transcripts: non-coding transcript variant (1).
Genome position (GRCh38, 1-based): chr11:105,974,431, C>T. VCF-style: chr11-105974431-C-T. GRCh37 (hg19) VCF-style: chr11-105845158-C-T.
Other names: c.2531C>T, p.Ala844Val (NM_001077243.3); short protein forms A844V.
Identifiers: ClinVar variation 2642343 (VCV002642343.24), dbSNP rs978598347, ClinGen allele CA228756621.
Genomic context (GRCh38, chr11:105,974,431, plus strand): 5'-GCTTGGGCTTGGCAATGCTGGTGGCTTTGATAGAGTTCTGTTACAAGTCCAGGGCAGAAG[C>T]GAAGAGAATGAAGGTGGCAAAGAGTGCACAGACTTTTAACCCAACTTCCTCGCAGAATAC-3'
Protein context (NP_000820.4, residues 834-854): IEFCYKSRAE[Ala844Val]KRMKLTFSEA